The following is an entry in ClinVar:

NM_005228.5(EGFR):c.981G>C (p.Lys327Asn)

Gene: EGFR (epidermal growth factor receptor; plus strand). Cytogenetic location: 7p11.2.
Variant type: single nucleotide variant.
Coding change: c.981G>C on transcript NM_005228.5 (MANE Select); coding-DNA position 981, G replaced by C.
Protein change: p.Lys327Asn; replaces lysine 327 with asparagine.
Molecular consequence: missense variant.
Genome position (GRCh38, 1-based): chr7:55,155,921, G>C. VCF-style: chr7-55155921-G-C. GRCh37 (hg19) VCF-style: chr7-55223614-G-C.
Other names: c.846G>C, p.Lys282Asn (NM_001346897.2, NM_001346899.2); c.981G>C, p.Lys327Asn (NM_001346898.2, NM_201282.2, NM_201283.2 and 1 more transcripts); c.822G>C, p.Lys274Asn (NM_001346900.2); c.180G>C, p.Lys60Asn (NM_001346941.2); short protein forms K327N, K60N, K274N, K282N.
Identifiers: ClinVar variation 2738858 (VCV002738858.3), dbSNP rs2128937555, ClinGen allele CA367578114.

ClinVar aggregate classification (germline): Uncertain significance (1 of 4 stars; one submission).

Conditions:
EGFR-related lung cancer (EGFR). Identifiers: MedGen CN130014.

Submission:

Labcorp Genetics (formerly Invitae), Labcorp
Classification: Uncertain significance for EGFR-related lung cancer. Last evaluated: 2023-07-08. Review status: criteria provided, single submitter. Criteria: Invitae Variant Classification Sherloc (09022015). Collection method: clinical testing. Allele origin: germline.
Comment: Advanced modeling of protein sequence and biophysical properties (such as structural, functional, and spatial information, amino acid conservation, physicochemical variation, residue mobility, and thermodynamic stability) performed at Invitae indicates that this missense variant is not expected to disrupt EGFR protein function. This sequence change replaces lysine, which is basic and polar, with asparagine, which is neutral and polar, at codon 327 of the EGFR protein (p.Lys327Asn). This variant is not present in population databases (gnomAD no frequency). This variant has not been reported in the literature in individuals affected with EGFR-related conditions. Algorithms developed to predict the effect of sequence changes on RNA splicing suggest that this variant may disrupt the consensus splice site. In summary, the available evidence is currently insufficient to determine the role of this variant in disease. Therefore, it has been classified as a Variant of Uncertain Significance.